The following is an entry in ClinVar:

ClinVar aggregate classification (germline): Uncertain significance (1 of 4 stars; one submission).

Conditions:
Inborn genetic diseases. Identifiers: MedGen C0950123, MeSH D030342.

Allele frequency attached by ClinVar (database versions not stated): gnomAD exomes below 0.00001.
gnomAD v4.1: 1 of 1,612,144 alleles (0.000062%); highest among the groups gnomAD compares: African/African-American, 0.0013%; no homozygotes.

Submission:

Ambry Genetics
Classification: Uncertain significance for Inborn genetic diseases. Last evaluated: 2023-06-22. Review status: criteria provided, single submitter. Criteria: Ambry Variant Classification Scheme 2023. Collection method: clinical testing. Allele origin: germline.
Comment: The p.M262T variant (also known as c.785T>C), located in coding exon 7 of the LRRK2 gene, results from a T to C substitution at nucleotide position 785. The methionine at codon 262 is replaced by threonine, an amino acid with similar properties. This amino acid position is conserved. In addition, this alteration is predicted to be tolerated by in silico analysis. Since supporting evidence is limited at this time, the clinical significance of this alteration remains unclear.

NM_198578.4(LRRK2):c.785T>C (p.Met262Thr)

Gene: LRRK2 (leucine rich repeat kinase 2; plus strand). Cytogenetic location: 12q12.
Variant type: single nucleotide variant.
Coding change: c.785T>C on transcript NM_198578.4 (MANE Select); coding-DNA position 785, T replaced by C.
Protein change: p.Met262Thr; replaces methionine 262 with threonine.
Molecular consequence: missense variant.
Genome position (GRCh38, 1-based): chr12:40,243,628, T>C. VCF-style: chr12-40243628-T-C. GRCh37 (hg19) VCF-style: chr12-40637430-T-C.
Other names: short protein forms M262T.
Identifiers: ClinVar variation 2624890 (VCV002624890.2), dbSNP rs1322892809, ClinGen allele CA384405939.